The following is an entry in ClinVar:

NM_001394998.1(TANC2):c.436G>A (p.Asp146Asn)

Gene: TANC2 (tetratricopeptide repeat, ankyrin repeat and coiled-coil containing 2; plus strand). Cytogenetic location: 17q23.3.
Variant type: single nucleotide variant.
Coding change: c.436G>A on transcript NM_001394998.1 (MANE Select); coding-DNA position 436, G replaced by A.
Protein change: p.Asp146Asn; replaces aspartic acid 146 with asparagine.
Molecular consequence: missense variant.
Genome position (GRCh38, 1-based): chr17:63,193,993, G>A. VCF-style: chr17-63193993-G-A. GRCh37 (hg19) VCF-style: chr17-61271354-G-A.
Other names: c.214G>A, p.Asp72Asn (NM_001411076.1, NM_025185.4); short protein forms D146N, D72N.
Identifiers: ClinVar variation 3772135 (VCV003772135.13).

ClinVar aggregate classification (germline): Uncertain significance (1 of 4 stars; one submission).

Submission:

CeGaT Center for Human Genetics Tuebingen
Classification: Uncertain significance. Last evaluated: 2024-12-01. Review status: criteria provided, single submitter. Criteria: CeGaT Center For Human Genetics Tuebingen Variant Classification Criteria Version 2. Collection method: clinical testing. Allele origin: germline. Affected: yes. Observed: 1 variant allele.
Comment: TANC2: PM2